The following is an entry in ClinVar:

ClinVar aggregate classification (germline): Uncertain significance. Review status: criteria provided, multiple submitters, no conflicts (2 of 4 stars). 3 submissions from 3 submitters: Uncertain significance (3). Last evaluated 2024-06-22.

Conditions:
Inborn genetic diseases. Identifiers: MedGen C0950123, MeSH D030342.

Allele frequency attached by ClinVar (database versions not stated): gnomAD exomes below 0.00001 and 0.00001; gnomAD 0.00005 and 0.00006; TOPMed 0.00006.

Submissions (3):

Ambry Genetics
Classification: Uncertain significance for Inborn genetic diseases. Last evaluated: 2024-06-22. Review status: criteria provided, single submitter. Criteria: Ambry Variant Classification Scheme 2023. Collection method: clinical testing. Allele origin: germline.

Blueprint Genetics
Classification: Uncertain significance. Last evaluated: 2019-12-20. Review status: criteria provided, single submitter. Criteria: ACMG Guidelines, 2015. Collection method: clinical testing. Allele origin: germline.

Laboratory for Molecular Medicine, Mass General Brigham Personalized Medicine
Classification: Uncertain significance. Last evaluated: 2018-07-27. Review status: criteria provided, single submitter. Criteria: LMM Criteria. Collection method: clinical testing. Allele origin: germline. Observed: 1 variant allele.
Comment: The p.Leu368Phe variant in SLITRK6 has not been previously reported in individua ls with hearing loss or myopia, but has been identified in 1/245052 of the total chromosomes by the Genome Aggregation Database (gnomAD). Computational prediction tools and conservation analysis suggest tha t the p.Leu368Phe variant may impact the protein, though this information is not predictive enough to determine pathogenicity. In summary, the clinical signific ance of the p.Leu368Phe variant is uncertain. ACMG/AMP Criteria applied: PM2, PP 3.

NM_032229.3(SLITRK6):c.1102C>T (p.Leu368Phe)

Gene: SLITRK6 (SLIT and NTRK like family member 6; minus strand). Cytogenetic location: 13q31.1.
Variant type: single nucleotide variant.
Coding change: c.1102C>T on transcript NM_032229.3 (MANE Select); coding-DNA position 1102, C replaced by T.
Protein change: p.Leu368Phe; replaces leucine 368 with phenylalanine.
Molecular consequence: missense variant.
Genome position (GRCh38, 1-based): chr13:85,795,407, G>A on the plus strand (C>T on the coding strand, the complement: SLITRK6 is on the minus strand). VCF-style: chr13-85795407-G-A. GRCh37 (hg19) VCF-style: chr13-86369542-G-A.
Other names: short protein forms L368F.
Identifiers: ClinVar variation 666919 (VCV000666919.6), dbSNP rs1053146634, ClinGen allele CA253125185.